The following is an entry in ClinVar:

ClinVar aggregate classification (germline): Likely benign (1 of 4 stars; one submission).

Submission:

CeGaT Center for Human Genetics Tuebingen
Classification: Likely benign. Last evaluated: 2022-09-01. Review status: criteria provided, single submitter. Criteria: CeGaT Center For Human Genetics Tuebingen Variant Classification Criteria Version 2. Collection method: clinical testing. Allele origin: germline. Affected: yes. Observed: 1 variant allele.
Comment: TRIO: PM2:Supporting, BP4, BP7

NM_007118.4(TRIO):c.3864A>G (p.Lys1288=)

Gene: TRIO (trio Rho guanine nucleotide exchange factor; plus strand). Cytogenetic location: 5p15.2.
Variant type: single nucleotide variant.
Coding change: c.3864A>G on transcript NM_007118.4 (MANE Select); coding-DNA position 3864, A replaced by G.
Protein change: p.Lys1288=; no amino-acid change (lysine 1288 retained).
Molecular consequence: synonymous variant. On other transcripts: non-coding transcript variant (1).
Genome position (GRCh38, 1-based): chr5:14,387,830, A>G. VCF-style: chr5-14387830-A-G. GRCh37 (hg19) VCF-style: chr5-14387939-A-G.
Identifiers: ClinVar variation 2655326 (VCV002655326.24), dbSNP rs2532857597, ClinGen allele CA443278642.